The following is an entry in ClinVar:

NM_004946.3(DOCK2):c.1742C>T (p.Thr581Met)

Gene: DOCK2 (dedicator of cytokinesis 2; plus strand). Cytogenetic location: 5q35.1.
Variant type: single nucleotide variant.
Coding change: c.1742C>T on transcript NM_004946.3 (MANE Select); coding-DNA position 1742, C replaced by T.
Protein change: p.Thr581Met; replaces threonine 581 with methionine.
Molecular consequence: missense variant. On other transcripts: non-coding transcript variant (1).
Genome position (GRCh38, 1-based): chr5:169,714,110, C>T. VCF-style: chr5-169714110-C-T. GRCh37 (hg19) VCF-style: chr5-169141114-C-T.
Other names: c.1742C>T, p.Thr581Met (LRG_1227t1); short protein forms T581M.
Identifiers: ClinVar variation 571091 (VCV000571091.10), dbSNP rs140817788, ClinGen allele CA3553579.

ClinVar aggregate classification (germline): Uncertain significance. Review status: criteria provided, multiple submitters, no conflicts (2 of 4 stars). 2 submissions from 2 submitters: Uncertain significance (2). Last evaluated 2025-12-01.

Conditions:
DOCK2 deficiency. Also called: Immunodeficiency 40. Identifiers: Orphanet 447737, MedGen C4225328, MONDO:0014637, OMIM 616433.

Allele frequency attached by ClinVar (database versions not stated): ExAC 0.00013; gnomAD exomes 0.00013; 1000 Genomes Project 0.00020; 1000 Genomes Project 30x 0.00031; ESP Exome Variant Server 0.00031; gnomAD 0.00031; TOPMed 0.00037.
gnomAD v4.1: 170 of 1,613,838 alleles (0.011%); highest among the groups gnomAD compares: African/African-American, 0.068%; no homozygotes.

Submissions (2):

Labcorp Genetics (formerly Invitae), Labcorp
Classification: Uncertain significance for DOCK2 deficiency. Last evaluated: 2025-12-01. Review status: criteria provided, single submitter. Criteria: Invitae Variant Classification Sherloc (09022015). Collection method: clinical testing. Allele origin: germline.
Comment: This sequence change replaces threonine, which is neutral and polar, with methionine, which is neutral and non-polar, at codon 581 of the DOCK2 protein (p.Thr581Met). This variant is present in population databases (rs140817788, gnomAD 0.06%). This variant has not been reported in the literature in individuals affected with DOCK2-related conditions. ClinVar contains an entry for this variant (Variation ID: 571091). An algorithm developed to predict the effect of missense changes on protein structure and function (PolyPhen-2) suggests that this variant is likely to be disruptive. In summary, the available evidence is currently insufficient to determine the role of this variant in disease. Therefore, it has been classified as a Variant of Uncertain Significance.

Blueprint Genetics
Classification: Uncertain significance. Last evaluated: 2024-10-08. Review status: criteria provided, single submitter. Criteria: ACMG Guidelines, 2015. Collection method: clinical testing. Allele origin: germline.